The following is an entry in ClinVar:

ClinVar aggregate classification (germline): Uncertain significance (1 of 4 stars; one submission).

Allele frequency attached by ClinVar (database versions not stated): gnomAD 0.00004 and 0.00007; ExAC 0.00007; TOPMed 0.00014.
gnomAD v4.1: 59 of 1,614,104 alleles (0.0037%); highest among the groups gnomAD compares: Admixed American, 0.032%; no homozygotes.

Submission:

Labcorp Genetics (formerly Invitae), Labcorp
Classification: Uncertain significance. Last evaluated: 2022-08-23. Review status: criteria provided, single submitter. Criteria: Invitae Variant Classification Sherloc (09022015). Collection method: clinical testing. Allele origin: germline.
Comment: This sequence change replaces valine, which is neutral and non-polar, with leucine, which is neutral and non-polar, at codon 69 of the MMP2 protein (p.Val69Leu). This variant is present in population databases (rs778206855, gnomAD 0.03%). This variant has not been reported in the literature in individuals affected with MMP2-related conditions. ClinVar contains an entry for this variant (Variation ID: 1383558). Algorithms developed to predict the effect of missense changes on protein structure and function (SIFT, PolyPhen-2, Align-GVGD) all suggest that this variant is likely to be tolerated. In summary, the available evidence is currently insufficient to determine the role of this variant in disease. Therefore, it has been classified as a Variant of Uncertain Significance.

NM_004530.6(MMP2):c.205G>T (p.Val69Leu)

Gene: MMP2 (matrix metallopeptidase 2; plus strand). Cytogenetic location: 16q12.2.
Variant type: single nucleotide variant.
Coding change: c.205G>T on transcript NM_004530.6 (MANE Select); coding-DNA position 205, G replaced by T.
Protein change: p.Val69Leu; replaces valine 69 with leucine.
Molecular consequence: missense variant. On other transcripts: 5 prime UTR variant (3).
Genome position (GRCh38, 1-based): chr16:55,482,960, G>T. VCF-style: chr16-55482960-G-T. GRCh37 (hg19) VCF-style: chr16-55516872-G-T.
Other names: c.55G>T, p.Val19Leu (NM_001127891.3); c.-24G>T (NM_001302508.1, NM_001302509.2, NM_001302510.2); short protein forms V69L, V19L.
Identifiers: ClinVar variation 1383558 (VCV001383558.4), dbSNP rs778206855, ClinGen allele CA8060025.